The following is an entry in ClinVar:

ClinVar aggregate classification (germline): Uncertain significance. Review status: criteria provided, multiple submitters, no conflicts (2 of 4 stars). 5 submissions from 5 submitters: Uncertain significance (3). 2 of the submissions do not count toward it. Last evaluated 2025-10-07.

Conditions:
Bardet-Biedl syndrome 13 (BBS13). Identifiers: Orphanet 110, MedGen C2673873, MONDO:0014441, OMIM 615990.
Meckel syndrome, type 1 (MKS1). Also called: MECKEL-GRUBER SYNDROME, TYPE 1. Identifiers: Orphanet 564, MedGen C3714506, MONDO:0009571, OMIM 249000.
Joubert syndrome 28 (JBTS28). Identifiers: MedGen C4310705, MONDO:0014928, OMIM 617121.
Inborn genetic diseases. Identifiers: MedGen C0950123, MeSH D030342.
Meckel-Gruber syndrome. Also called: Dysencephalia splachnocystica; DYSENCEPHALIA SPLANCHNOCYSTICA; GRUBER SYNDROME. Identifiers: Orphanet 564, MedGen C0265215, MONDO:0018921.
Joubert syndrome. Also called: JOUBERT-BOLTSHAUSER SYNDROME; Familial aplasia of the vermis. Identifiers: Orphanet 475, MedGen C5979921, MONDO:0018772.
MKS1-related disorder. Also called: MKS1-related disorders; MKS1-related condition. Identifiers: MedGen CN239382.

Allele frequency attached by ClinVar (database versions not stated): gnomAD exomes 0.00002 and 0.00004; gnomAD 0.00003 and 0.00004; 1000 Genomes Project 30x 0.00047; 1000 Genomes Project 0.00040; TOPMed 0.00004; ExAC 0.00002.
gnomAD v4.1: 31 of 1,612,900 alleles (0.0019%); highest among the groups gnomAD compares: Admixed American, 0.033%; no homozygotes.

Submissions (5):

Ambry Genetics
Classification: Uncertain significance for Inborn genetic diseases. Last evaluated: 2025-10-07. Review status: criteria provided, single submitter. Criteria: Ambry Variant Classification Scheme 2023. Collection method: clinical testing. Allele origin: germline.

Fulgent Genetics
Classification: Uncertain significance for Meckel syndrome, type 1; Bardet-Biedl syndrome 13; Joubert syndrome 28. Last evaluated: 2024-04-15. Review status: criteria provided, single submitter. Criteria: ACMG Guidelines, 2015. Collection method: clinical testing. Allele origin: germline.

Labcorp Genetics (formerly Invitae), Labcorp
Classification: Uncertain significance for Joubert syndrome; Meckel-Gruber syndrome. Last evaluated: 2022-01-13. Review status: criteria provided, single submitter. Criteria: Invitae Variant Classification Sherloc (09022015). Collection method: clinical testing. Allele origin: germline.
Comment: This sequence change replaces arginine, which is basic and polar, with tryptophan, which is neutral and slightly polar, at codon 279 of the MKS1 protein (p.Arg279Trp). This variant is present in population databases (rs189255737, gnomAD 0.01%). This variant has not been reported in the literature in individuals affected with MKS1-related conditions. ClinVar contains an entry for this variant (Variation ID: 964761). Advanced modeling of protein sequence and biophysical properties (such as structural, functional, and spatial information, amino acid conservation, physicochemical variation, residue mobility, and thermodynamic stability) performed at Invitae indicates that this missense variant is expected to disrupt MKS1 protein function. In summary, the available evidence is currently insufficient to determine the role of this variant in disease. Therefore, it has been classified as a Variant of Uncertain Significance.

PreventionGenetics, part of Exact Sciences
Classification: Uncertain significance for MKS1-related condition. Last evaluated: 2024-05-10. Review status: no assertion criteria provided. Collection method: clinical testing. Allele origin: germline. Not counted in ClinVar's aggregate classification.
Comment: The MKS1 c.835C>T variant is predicted to result in the amino acid substitution p.Arg279Trp. To our knowledge, this variant has not been reported in the literature. This variant is reported in 0.014% of alleles in individuals of Latino descent in gnomAD. At this time, the clinical significance of this variant is uncertain due to the absence of conclusive functional and genetic evidence.

Natera, Inc.
Classification: Uncertain significance for Meckel syndrome type 1. Last evaluated: 2020-01-24. Review status: no assertion criteria provided. Collection method: clinical testing. Allele origin: germline. Not counted in ClinVar's aggregate classification.

NM_017777.4(MKS1):c.835C>T (p.Arg279Trp)

Gene: MKS1 (MKS transition zone complex subunit 1; minus strand). Cytogenetic location: 17q22.
Variant type: single nucleotide variant.
Coding change: c.835C>T on transcript NM_017777.4 (MANE Select); coding-DNA position 835, C replaced by T.
Protein change: p.Arg279Trp; replaces arginine 279 with tryptophan.
Molecular consequence: missense variant.
Genome position (GRCh38, 1-based): chr17:58,213,005, G>A on the plus strand (C>T on the coding strand, the complement: MKS1 is on the minus strand). VCF-style: chr17-58213005-G-A. GRCh37 (hg19) VCF-style: chr17-56290366-G-A.
Other names: c.226C>T, p.Arg76Trp (NM_001321268.2); c.835C>T, p.Arg279Trp (NM_001321269.2, NM_001330397.2); short protein forms R279W, R76W.
Identifiers: ClinVar variation 964761 (VCV000964761.8), dbSNP rs189255737, ClinGen allele CA8669396.